The following is an entry in ClinVar:

ClinVar aggregate classification (germline): Uncertain significance. Review status: criteria provided, multiple submitters, no conflicts (2 of 4 stars). 2 submissions from 2 submitters: Uncertain significance (2). Last evaluated 2024-10-21.

Conditions:
Juvenile polyposis syndrome (JPS). Identifiers: Orphanet 2929, MedGen C0345893, MONDO:0017380, OMIM 174900.
Hereditary cancer-predisposing syndrome. Also called: Hereditary neoplastic syndrome; Tumor predisposition; Neoplastic Syndromes, Hereditary; Hereditary Cancer Syndrome. Identifiers: Orphanet 140162, MedGen C0027672, MeSH D009386, MONDO:0015356.

Allele frequency attached by ClinVar (database versions not stated): gnomAD exomes below 0.00001.
gnomAD v4.1: 1 of 1,614,232 alleles (0.000062%); highest among the groups gnomAD compares: Non-Finnish European, 0.000085%; no homozygotes.

Submissions (2):

Labcorp Genetics (formerly Invitae), Labcorp
Classification: Uncertain significance for Juvenile polyposis syndrome. Last evaluated: 2024-10-21. Review status: criteria provided, single submitter. Criteria: Invitae Variant Classification Sherloc (09022015). Collection method: clinical testing. Allele origin: germline.
Comment: This sequence change replaces cysteine, which is neutral and slightly polar, with tyrosine, which is neutral and polar, at codon 475 of the BMPR1A protein (p.Cys475Tyr). This variant is not present in population databases (gnomAD no frequency). This variant has not been reported in the literature in individuals affected with BMPR1A-related conditions. ClinVar contains an entry for this variant (Variation ID: 955086). Invitae Evidence Modeling of protein sequence and biophysical properties (such as structural, functional, and spatial information, amino acid conservation, physicochemical variation, residue mobility, and thermodynamic stability) indicates that this missense variant is not expected to disrupt BMPR1A protein function with a negative predictive value of 80%. In summary, the available evidence is currently insufficient to determine the role of this variant in disease. Therefore, it has been classified as a Variant of Uncertain Significance.

Ambry Genetics
Classification: Uncertain significance for Hereditary cancer-predisposing syndrome. Last evaluated: 2024-03-21. Review status: criteria provided, single submitter. Criteria: Ambry Variant Classification Scheme 2023. Collection method: clinical testing. Allele origin: germline.
Comment: The p.C475Y variant (also known as c.1424G>A), located in coding exon 10 of the BMPR1A gene, results from a G to A substitution at nucleotide position 1424. The cysteine at codon 475 is replaced by tyrosine, an amino acid with highly dissimilar properties. This amino acid position is highly conserved in available vertebrate species. In addition, this alteration is predicted to be deleterious by in silico analysis. Based on the available evidence, the clinical significance of this alteration remains unclear.

NM_004329.3(BMPR1A):c.1424G>A (p.Cys475Tyr)

Gene: BMPR1A (bone morphogenetic protein receptor type 1A; plus strand). Cytogenetic location: 10q23.2.
Variant type: single nucleotide variant.
Coding change: c.1424G>A on transcript NM_004329.3 (MANE Select); coding-DNA position 1424, G replaced by A.
Protein change: p.Cys475Tyr; replaces cysteine 475 with tyrosine.
Molecular consequence: missense variant.
Genome position (GRCh38, 1-based): chr10:86,923,457, G>A. VCF-style: chr10-86923457-G-A. GRCh37 (hg19) VCF-style: chr10-88683214-G-A.
Other names: short protein forms C475Y.
Identifiers: ClinVar variation 955086 (VCV000955086.11), dbSNP rs1843696315, ClinGen allele CA377463037.